The following is an entry in ClinVar:

NM_016239.4(MYO15A):c.1729A>T (p.Lys577Ter)

Gene: MYO15A (myosin XVA; plus strand). Cytogenetic location: 17p11.2.
Variant type: single nucleotide variant.
Coding change: c.1729A>T on transcript NM_016239.4 (MANE Select); coding-DNA position 1729, A replaced by T.
Protein change: p.Lys577Ter; replaces lysine 577 with a stop codon.
Molecular consequence: nonsense.
Genome position (GRCh38, 1-based): chr17:18,120,529, A>T. VCF-style: chr17-18120529-A-T. GRCh37 (hg19) VCF-style: chr17-18023843-A-T.
Other names: short protein forms K577*.
Identifiers: ClinVar variation 3643437 (VCV003643437.2).
Genomic context (GRCh38, chr17:18,120,529, plus strand): 5'-TTCGGCCCTGAGTTTGGCCGCCCCGTGCCTCGCCCTGCCACCTCGCTTGCGCGGTTCCTC[A>T]AGAAGACGCTGTCGGAGAAGAAGCCCATCGCGCGGCTCAGGGGCAGCCAGAAGGCCCGGG-3'

ClinVar aggregate classification (germline): Pathogenic (1 of 4 stars; one submission).

Submission:

Labcorp Genetics (formerly Invitae), Labcorp
Classification: Pathogenic. Last evaluated: 2024-02-26. Review status: criteria provided, single submitter. Criteria: Invitae Variant Classification Sherloc (09022015). Collection method: clinical testing. Allele origin: germline.
Comment: This sequence change creates a premature translational stop signal (p.Lys577*) in the MYO15A gene. It is expected to result in an absent or disrupted protein product. Loss-of-function variants in MYO15A are known to be pathogenic (PMID: 17546645). This variant is not present in population databases (gnomAD no frequency). This variant has not been reported in the literature in individuals affected with MYO15A-related conditions. For these reasons, this variant has been classified as Pathogenic.

Literature cited by the submitters: PubMed 17546645.